The following is an entry in ClinVar:

NM_018297.4(NGLY1):c.1858A>G (p.Arg620Gly)

Gene: NGLY1 (N-glycanase 1; minus strand). Cytogenetic location: 3p24.2.
Variant type: single nucleotide variant.
Coding change: c.1858A>G on transcript NM_018297.4 (MANE Select); coding-DNA position 1858, A replaced by G.
Protein change: p.Arg620Gly; replaces arginine 620 with glycine.
Molecular consequence: missense variant. On other transcripts: 3 prime UTR variant (1).
Genome position (GRCh38, 1-based): chr3:25,719,567, T>C on the plus strand (A>G on the coding strand, the complement: NGLY1 is on the minus strand). VCF-style: chr3-25719567-T-C. GRCh37 (hg19) VCF-style: chr3-25761058-T-C.
Other names: c.1804A>G, p.Arg602Gly (NM_001145293.2); c.1732A>G, p.Arg578Gly (NM_001145294.2); c.*3A>G (NM_001145295.2); short protein forms R578G, R602G, R620G.
Identifiers: ClinVar variation 1011979 (VCV001011979.2), dbSNP rs746694378, ClinGen allele CA2289043.
Genomic context (GRCh38, chr3:25,719,567, plus strand): 5'-GGTCATTTAAGCTTTGTCTAAACAGCTGGGTGTGTTGCCAAGCGACATCACCATCTCCTC[T>C]GCTTAATTCTGCTTCCAAAATAACTTCAGTGGCACCAGAAAAATCAGCATAGGAGTGAAG-3'
Protein context (NP_060767.2, residues 610-630): TEVILEAELS[Arg620Gly]GDGDVAWQHT

ClinVar aggregate classification (germline): Uncertain significance (1 of 4 stars; one submission).

Conditions:
Congenital disorder of deglycosylation (CDDG). Identifiers: MedGen C3808991, MONDO:0031376.

Allele frequency attached by ClinVar (database versions not stated): gnomAD exomes 0.00002; gnomAD 0.00002; TOPMed 0.00004; ExAC 0.00002.
gnomAD v4.1: 39 of 1,613,916 alleles (0.0024%); highest among the groups gnomAD compares: Admixed American, 0.013%; no homozygotes.

Submission:

Labcorp Genetics (formerly Invitae), Labcorp
Classification: Uncertain significance for Congenital disorder of deglycosylation. Last evaluated: 2021-09-02. Review status: criteria provided, single submitter. Criteria: Invitae Variant Classification Sherloc (09022015). Collection method: clinical testing. Allele origin: germline.
Comment: This sequence change replaces arginine with glycine at codon 620 of the NGLY1 protein (p.Arg620Gly). The arginine residue is weakly conserved and there is a moderate physicochemical difference between arginine and glycine. This variant is present in population databases (rs746694378, ExAC 0.009%). This variant has not been reported in the literature in individuals affected with NGLY1-related conditions. Algorithms developed to predict the effect of missense changes on protein structure and function output the following: SIFT: "Tolerated"; PolyPhen-2: "Benign"; Align-GVGD: "Class C0". The glycine amino acid residue is found in multiple mammalian species, which suggests that this missense change does not adversely affect protein function. In summary, the available evidence is currently insufficient to determine the role of this variant in disease. Therefore, it has been classified as a Variant of Uncertain Significance.